The following is an entry in ClinVar:

NM_000421.5(KRT10):c.1304T>G (p.Leu435Arg)

Genes: KRT10 (keratin 10; minus strand), KRT10-AS1 (KRT10 antisense RNA 1; plus strand). Cytogenetic location: 17q21.2.
Variant type: single nucleotide variant.
Coding change: c.1304T>G on transcript NM_000421.5 (MANE Select); coding-DNA position 1304, T replaced by G.
Protein change: p.Leu435Arg; replaces leucine 435 with arginine.
Molecular consequence: missense variant.
Genome position (GRCh38, 1-based): chr17:40,819,586, A>C on the plus strand (T>G on the coding strand, the complement: KRT10 is on the minus strand). VCF-style: chr17-40819586-A-C. GRCh37 (hg19) VCF-style: chr17-38975838-A-C.
Other names: c.1304T>G, p.Leu435Arg (NM_001379366.1); short protein forms L435R.
Identifiers: ClinVar variation 3376856 (VCV003376856.1).

ClinVar aggregate classification (germline): Likely pathogenic (1 of 4 stars; one submission).

Conditions:
Epidermolytic hyperkeratosis 1 (EHK1). Also called: BULLOUS CONGENITAL ICHTHYOSIFORM ERYTHRODERMA; BULLOUS ERYTHRODERMA ICHTHYOSIFORMIS CONGENITA OF BROCQ. Identifiers: MedGen C5781874, MONDO:0700249, OMIM 113800.

Submission:

Victorian Clinical Genetics Services, Murdoch Childrens Research Institute
Classification: Likely pathogenic for Epidermolytic hyperkeratosis 1. Last evaluated: 2021-05-06. Review status: criteria provided, single submitter. Criteria: ACMG Guidelines, 2015. Collection method: clinical testing. Allele origin: germline. Affected: yes.
Comment: Based on the classification scheme VCGS_Germline_v1.3.4, this variant is classified as Likely pathogenic. Following criteria are met: 0103 - Dominant negative and loss of function are known mechanisms of disease in this gene and are associated with ichthyosis with confetti (MIM#609165) and epidermolytic hyperkeratosis (MIM#113800), respectively. Frameshift variants resulting in an arginine-rich C-terminal region have been reported with a dominant negative mechanism, while those predicted to undergo nonsense-mediated decay (NMD) have a loss of function mechanism. A toxic gain of function mechanism has been reported for missense variants and inframe deletions causing dominant epidermolytic hyperkeratosis (MIM#113800), but more functional evidence is required (OMIM, PMID: 26176760, PMID: 20798280, PMID: 31638346, PMID: 18219278, PMID: 16505000). (I) 0108 - This gene is associated with both recessive and dominant disease. Individuals with biallelic variants predicted to undergo NMD have been reported with recessive disease (PMID: 18219278, PMID: 16505000). Individuals with frameshift variants affecting the last exon, missense variants and splice variants have all been reported with dominant disease (PMID: 26176760, PMID: 20798280, PMID: 31638346). (I) 0200 - Variant is predicted to result in a missense amino acid change from leucine to arginine. (I) 0251 - This variant is heterozygous. (I) 0301 - Variant is absent from gnomAD (both v2 and v3). (SP) 0501 - Missense variant consistently predicted to be damaging by multiple in silico tools or highly conserved with a major amino acid change. (SP) 0600 - Variant is located in the annotated filament domain (NCBI). (I) 0704 - Another missense variant comparable to the one identified in this case has limited previous evidence for pathogenicity. This alternative change (p.Leu435Pro) has been reported in an individual with Lambert type ichthyosis hystrix (PMID: 27212473). (SP) 0807 - This variant has no previous evidence of pathogenicity. (I) 0905 - No published segregation evidence has been identified for this variant. (I) 1007 - No published functional evidence has been identified for this variant. (I) 1102 - Strong phenotype match for this individual. (SP) 1208 - Inheritance information for this variant is not currently available in this individual. (I) Legend: (SP) - Supporting pathogenic, (I) - Information, (SB) - Supporting benign

Literature cited by the submitters: PubMed 16505000; PubMed 18219278; PubMed 20798280; PubMed 26176760; PubMed 27212473; PubMed 31638346.